The following is an entry in ClinVar:

NM_181712.5(KANK4):c.2745G>A (p.Leu915=)

Gene: KANK4 (KN motif and ankyrin repeat domains 4; minus strand). Cytogenetic location: 1p31.3.
Variant type: single nucleotide variant.
Coding change: c.2745G>A on transcript NM_181712.5 (MANE Select); coding-DNA position 2745, G replaced by A.
Protein change: p.Leu915=; no amino-acid change (leucine 915 retained).
Molecular consequence: synonymous variant.
Genome position (GRCh38, 1-based): chr1:62,247,610, C>T on the plus strand (G>A on the coding strand, the complement: KANK4 is on the minus strand). VCF-style: chr1-62247610-C-T. GRCh37 (hg19) VCF-style: chr1-62713282-C-T.
Other names: c.861G>A, p.Leu287= (NM_001320269.2).
Identifiers: ClinVar variation 3061700 (VCV003061700.2), dbSNP rs2545934478, ClinGen allele CA418001148.
Genomic context (GRCh38, chr1:62,247,610, plus strand): 5'-CACCATGAGGGCCGAGGATCCATCGTGGTCCTGCAGATTGACATCTGCCTGGCAGCTAAG[C>T]AGCGCTTGAACCATGTCCTCCCTGTCGTGGCTGACTCCCAGCATCAGCGCAGTCTGGCCT-3'
Protein context (NP_859063.3, residues 905-925): SHDREDMVQA[Leu915=]LSCQADVNLQ

ClinVar aggregate classification (germline): Likely benign (0 of 4 stars; one submission).

Conditions:
KANK4-related disorder. Also called: KANK4-related condition.

Submission:

PreventionGenetics, part of Exact Sciences
Classification: Likely benign for KANK4-related condition. Last evaluated: 2021-06-22. Review status: no assertion criteria provided. Collection method: clinical testing. Allele origin: germline.
Comment: This variant is classified as likely benign based on ACMG/AMP sequence variant interpretation guidelines (Richards et al. 2015 PMID: 25741868, with internal and published modifications).